The following is an entry in ClinVar:

ClinVar aggregate classification (germline): Uncertain significance (1 of 4 stars; one submission).

Allele frequency attached by ClinVar (database versions not stated): ExAC 0.00004; ESP Exome Variant Server 0.00008.
gnomAD v4.1: 23 of 1,609,230 alleles (0.0014%); highest among the groups gnomAD compares: Middle Eastern, 0.017%; no homozygotes.

Submission:

Labcorp Genetics (formerly Invitae), Labcorp
Classification: Uncertain significance. Last evaluated: 2025-12-22. Review status: criteria provided, single submitter. Criteria: Invitae Variant Classification Sherloc (09022015). Collection method: clinical testing. Allele origin: germline.
Comment: This sequence change replaces glutamic acid, which is acidic and polar, with glutamine, which is neutral and polar, at codon 526 of the ITGB3 protein (p.Glu526Gln). This variant is present in population databases (rs138793107, gnomAD 0.006%). This variant has not been reported in the literature in individuals affected with ITGB3-related conditions. ClinVar contains an entry for this variant (Variation ID: 2177907). Invitae Evidence Modeling of protein sequence and biophysical properties (such as structural, functional, and spatial information, amino acid conservation, physicochemical variation, residue mobility, and thermodynamic stability) indicates that this missense variant is not expected to disrupt ITGB3 protein function with a negative predictive value of 80%. In summary, the available evidence is currently insufficient to determine the role of this variant in disease. Therefore, it has been classified as a Variant of Uncertain Significance.

NM_000212.3(ITGB3):c.1576G>C (p.Glu526Gln)

Gene: ITGB3 (integrin subunit beta 3; plus strand). Cytogenetic location: 17q21.32.
Variant type: single nucleotide variant.
Coding change: c.1576G>C on transcript NM_000212.3 (MANE Select); coding-DNA position 1576, G replaced by C.
Protein change: p.Glu526Gln; replaces glutamic acid 526 with glutamine.
Molecular consequence: missense variant.
Genome position (GRCh38, 1-based): chr17:47,292,454, G>C. VCF-style: chr17-47292454-G-C. GRCh37 (hg19) VCF-style: chr17-45369820-G-C.
Other names: short protein forms E526Q.
Identifiers: ClinVar variation 2177907 (VCV002177907.2), dbSNP rs138793107, ClinGen allele CA8623293.